The following is an entry in ClinVar:

NM_006073.4(TRDN):c.1593A>G (p.Lys531=)

Gene: TRDN (triadin; minus strand). Cytogenetic location: 6q22.31.
Variant type: single nucleotide variant.
Coding change: c.1593A>G on transcript NM_006073.4 (MANE Select); coding-DNA position 1593, A replaced by G.
Protein change: p.Lys531=; no amino-acid change (lysine 531 retained).
Molecular consequence: synonymous variant.
Genome position (GRCh38, 1-based): chr6:123,274,645, T>C on the plus strand (A>G on the coding strand, the complement: TRDN is on the minus strand). VCF-style: chr6-123274645-T-C. GRCh37 (hg19) VCF-style: chr6-123595790-T-C.
Other names: c.1593A>G (NM_006073.2).
Identifiers: ClinVar variation 513043 (VCV000513043.14), dbSNP rs769926882, ClinGen allele CA3983850.
Genomic context (GRCh38, chr6:123,274,645, plus strand): 5'-TAATAAAATAAAGATAATGTCAACTCTGAATCTATATAAAATAAAGCTCATGTTACCTGG[T>C]TTTGCTTCTTTTTTAATTTGGGGCTCTGAGGGAGAGAAAAGGCAGAAAATTTAAAACCTG-3'
Protein context (NP_006064.2, residues 521-541): KPEPQIKKEA[Lys531=]PAISEKVQIH

ClinVar aggregate classification (germline): Conflicting classifications of pathogenicity. Review status: criteria provided, conflicting classifications (1 of 4 stars). 3 submissions from 3 submitters: Uncertain significance (1); Likely benign (2). Last evaluated 2025-09-08.

Conditions:
Catecholaminergic polymorphic ventricular tachycardia 1. Also called: VENTRICULAR TACHYCARDIA, CATECHOLAMINERGIC POLYMORPHIC, 1, WITH OR WITHOUT ATRIAL DYSFUNCTION AND/OR DILATED CARDIOMYOPATHY; RYR2-Related Catecholaminergic Polymorphic Ventricular Tachycardia; VENTRICULAR TACHYCARDIA, STRESS-INDUCED POLYMORPHIC 1. Identifiers: Orphanet 3286, MedGen C1631597, MONDO:0011484, OMIM 604772.
Cardiovascular phenotype. Identifiers: MedGen CN230736.

Allele frequency attached by ClinVar (database versions not stated): gnomAD exomes below 0.00001 and 0.00001; ExAC 0.00001; gnomAD 0.00001.
gnomAD v4.1: 12 of 1,608,060 alleles (0.00075%); highest among the groups gnomAD compares: African/African-American, 0.004%; no homozygotes.

Submissions (3):

Ambry Genetics
Classification: Uncertain significance for Cardiovascular phenotype. Last evaluated: 2025-09-08. Review status: criteria provided, single submitter. Criteria: Ambry Variant Classification Scheme 2023. Collection method: clinical testing. Allele origin: germline.
Comment: The c.1593A>G variant (also known as p.K531K), located in coding exon 27 of the TRDN gene, results from an A to G substitution at nucleotide position 1593. This nucleotide substitution does not change the amino acid at codon 531. This nucleotide position is well conserved in available vertebrate species. In silico splice site analysis predicts that this alteration may weaken the native splice donor site. Based on the available evidence, the clinical significance of this variant remains unclear.

Labcorp Genetics (formerly Invitae), Labcorp
Classification: Likely benign for Catecholaminergic polymorphic ventricular tachycardia 1. Last evaluated: 2025-09-03. Review status: criteria provided, single submitter. Criteria: Invitae Variant Classification Sherloc (09022015). Collection method: clinical testing. Allele origin: germline.

GeneDx
Classification: Likely benign. Last evaluated: 2018-11-13. Review status: criteria provided, single submitter. Criteria: GeneDx Variant Classification Process June 2021. Collection method: clinical testing. Allele origin: germline. Affected: yes.